The following is an entry in ClinVar:

NM_000601.6(HGF):c.880A>T (p.Asn294Tyr)

Gene: HGF (hepatocyte growth factor; minus strand). Cytogenetic location: 7q21.11.
Variant type: single nucleotide variant.
Coding change: c.880A>T on transcript NM_000601.6 (MANE Select); coding-DNA position 880, A replaced by T.
Protein change: p.Asn294Tyr; replaces asparagine 294 with tyrosine.
Molecular consequence: missense variant.
Genome position (GRCh38, 1-based): chr7:81,729,765, T>A on the plus strand (A>T on the coding strand, the complement: HGF is on the minus strand). VCF-style: chr7-81729765-T-A. GRCh37 (hg19) VCF-style: chr7-81359081-T-A.
Other names: c.865A>T, p.Asn289Tyr (NM_001010932.3); short protein forms N294Y, N289Y.
Identifiers: ClinVar variation 4974671 (VCV004974671.1).

ClinVar aggregate classification (germline): Uncertain significance (1 of 4 stars; one submission).

Conditions:
Autosomal recessive nonsyndromic hearing loss 39. Identifiers: Orphanet 90636, MedGen C1842342, MONDO:0012003, OMIM 608265.

gnomAD v4.1: 1 of 1,611,852 alleles (0.000062%); highest among the groups gnomAD compares: Non-Finnish European, 0.000085%; no homozygotes.

Submission:

Clinical Genomics Laboratory, Washington University in St. Louis
Classification: Uncertain significance for Autosomal recessive nonsyndromic hearing loss 39. Last evaluated: 2025-10-26. Review status: criteria provided, single submitter. Criteria: ACMG Guidelines, 2015. Collection method: clinical testing. Allele origin: germline.
Comment: An HGF c.880A>T (p.Asn294Tyr) variant was identified at a near heterozygous allelic fraction of 47.6%, a frequency which may be consistent with it being of germline origin. This variant, to our knowledge, has not been reported in the medical literature or the ClinVar database. It is only observed in 1/1,611,852 alleles in the general population (gnomAD v4.1.0), indicating it is not a common variant. Due to limited information, and based on ACMG/AMP guidelines for variant interpretation (Richards S et al., PMID: 25741868), the clinical significance of this variant is uncertain at this time.